The following is an entry in ClinVar:

NM_001035.3(RYR2):c.9248C>A (p.Thr3083Asn)

Gene: RYR2 (ryanodine receptor 2; plus strand). Cytogenetic location: 1q43.
Variant type: single nucleotide variant.
Coding change: c.9248C>A on transcript NM_001035.3 (MANE Select); coding-DNA position 9248, C replaced by A.
Protein change: p.Thr3083Asn; replaces threonine 3083 with asparagine.
Molecular consequence: missense variant.
Genome position (GRCh38, 1-based): chr1:237,700,348, C>A. VCF-style: chr1-237700348-C-A. GRCh37 (hg19) VCF-style: chr1-237863648-C-A.
Other names: short protein forms T3083N.
Identifiers: ClinVar variation 3705115 (VCV003705115.3).

ClinVar aggregate classification (germline): Uncertain significance. Review status: criteria provided, multiple submitters, no conflicts (2 of 4 stars). 2 submissions from 2 submitters: Uncertain significance (2). Last evaluated 2025-11-03.

Conditions:
Cardiomyopathy (CMYO). Also called: Cardiomyopathies. Identifiers: Orphanet 167848, MedGen C0878544, MONDO:0004994, HP:0001638. Inheritance: Various modes of inheritance.
Catecholaminergic polymorphic ventricular tachycardia 1. Also called: VENTRICULAR TACHYCARDIA, STRESS-INDUCED POLYMORPHIC 1; VENTRICULAR TACHYCARDIA, CATECHOLAMINERGIC POLYMORPHIC, 1, WITH OR WITHOUT ATRIAL DYSFUNCTION AND/OR DILATED CARDIOMYOPATHY; RYR2-Related Catecholaminergic Polymorphic Ventricular Tachycardia. Identifiers: Orphanet 3286, MedGen C1631597, MONDO:0011484, OMIM 604772.

gnomAD v4.1: 7 of 1,602,966 alleles (0.00044%); highest among the groups gnomAD compares: Non-Finnish European, 0.0006%; no homozygotes.

Submissions (2):

Color Diagnostics, LLC DBA Color Health
Classification: Uncertain significance for Cardiomyopathy. Last evaluated: 2025-11-03. Review status: criteria provided, single submitter. Criteria: ACMG Guidelines, 2015. Collection method: clinical testing. Allele origin: germline.
Comment: This missense variant replaces threonine with asparagine at codon 3083 of the RYR2 protein. Computational prediction suggests that this variant may not impact protein structure and function. To our knowledge, functional studies have not been reported for this variant. This variant has not been reported in individuals affected with RYR2-related disorders in the literature. This variant has been identified in 7/1450698 chromosomes in the general population by the Genome Aggregation Database (gnomAD). The available evidence is insufficient to determine the role of this variant in disease conclusively. Therefore, this variant is classified as a Variant of Uncertain Significance.

Labcorp Genetics (formerly Invitae), Labcorp
Classification: Uncertain significance for Catecholaminergic polymorphic ventricular tachycardia 1. Last evaluated: 2025-04-27. Review status: criteria provided, single submitter. Criteria: Invitae Variant Classification Sherloc (09022015). Collection method: clinical testing. Allele origin: germline.
Comment: This sequence change replaces threonine, which is neutral and polar, with asparagine, which is neutral and polar, at codon 3083 of the RYR2 protein (p.Thr3083Asn). This variant is not present in population databases (gnomAD no frequency). This variant has not been reported in the literature in individuals affected with RYR2-related conditions. ClinVar contains an entry for this variant (Variation ID: 3705115). Invitae Evidence Modeling of protein sequence and biophysical properties (such as structural, functional, and spatial information, amino acid conservation, physicochemical variation, residue mobility, and thermodynamic stability) indicates that this missense variant is not expected to disrupt RYR2 protein function with a negative predictive value of 95%. In summary, the available evidence is currently insufficient to determine the role of this variant in disease. Therefore, it has been classified as a Variant of Uncertain Significance.